The following is an entry in ClinVar:

NM_015295.3(SMCHD1):c.5168T>G (p.Leu1723Trp)

Gene: SMCHD1 (structural maintenance of chromosomes flexible hinge domain containing 1; plus strand). Cytogenetic location: 18p11.32.
Variant type: single nucleotide variant.
Coding change: c.5168T>G on transcript NM_015295.3 (MANE Select); coding-DNA position 5168, T replaced by G.
Protein change: p.Leu1723Trp; replaces leucine 1723 with tryptophan.
Molecular consequence: missense variant.
Genome position (GRCh38, 1-based): chr18:2,772,365, T>G. VCF-style: chr18-2772365-T-G. GRCh37 (hg19) VCF-style: chr18-2772363-T-G.
Other names: short protein forms L1723W.
Identifiers: ClinVar variation 4813988 (VCV004813988.1).

ClinVar aggregate classification (germline): VUS-high (1 of 4 stars; one submission).

Conditions:
Facioscapulohumeral muscular dystrophy 2 (FSHD2). Also called: FACIOSCAPULOHUMERAL MUSCULAR DYSTROPHY 2, DIGENIC; FSHD2, DIGENIC; MUSCULAR DYSTROPHY, FACIOSCAPULOHUMERAL, TYPE 1B. Identifiers: Orphanet 269, MedGen C1834671, MONDO:0008031, OMIM 158901.

Submission:

Genetic Diseases Diagnostic Center, Koc University Hospital
Classification: VUS-high for Facioscapulohumeral muscular dystrophy 2. Last evaluated: 2026-02-20. Review status: criteria provided, single submitter. Criteria: ACMG Guidelines, 2015. Collection method: clinical testing. Allele origin: germline. Inheritance: Autosomal dominant inheritance. Affected: yes.
Comment: No supporting literature was identified for variant c.5168T>G which results in the amino acid substitution of leucine by tryptophan at codon 1723 of the SMCHD1 protein (p.Leu1723Trp). This is a non-synonymous (missense) change that alters a highly conserved, nonpolar aliphatic residue to a larger aromatic residue within the C‑terminal portion of the protein. No additional specific functional data for this particular amino acid change are available from current knowledge. According to available annotation, c.5168T>G p.Leu1723Trp in SMCHD1 is a missense variant located in exon 41 of the gene. Computational prediction scores for this variant are CADD=28.9 and REVEL=0.638. The variant has been classified, according to ACMG/AMP criteria, as of uncertain significance following ACMG criteria: PM2, PP2, PP3. Mode of inheritance: Digenic inheritance.